The following is an entry in ClinVar:

NM_005188.4(CBL):c.2122C>T (p.Leu708=)

Gene: CBL (Cbl proto-oncogene; plus strand). Cytogenetic location: 11q23.3.
Variant type: single nucleotide variant.
Coding change: c.2122C>T on transcript NM_005188.4 (MANE Select); coding-DNA position 2122, C replaced by T.
Protein change: p.Leu708=; no amino-acid change (leucine 708 retained).
Molecular consequence: synonymous variant.
Genome position (GRCh38, 1-based): chr11:119,297,003, C>T. VCF-style: chr11-119297003-C-T. GRCh37 (hg19) VCF-style: chr11-119167713-C-T.
Identifiers: ClinVar variation 2834860 (VCV002834860.20), dbSNP rs1353164018, ClinGen allele CA477130285.
Genomic context (GRCh38, chr11:119,297,003, plus strand): 5'-CCTGGGGAGCAATGTGAGGGTGAAGAGGACACAGAGTACATGACTCCCTCTTCCAGGCCT[C>T]TACGGCCTTTGGATACATCCCAGAGTTCACGGTAGGTTCACAACAACCCTTTTTGGGCCC-3'
Protein context (NP_005179.2, residues 698-718): TEYMTPSSRP[Leu708=]RPLDTSQSSR

ClinVar aggregate classification (germline): Likely benign. Review status: criteria provided, multiple submitters, no conflicts (2 of 4 stars). 2 submissions from 2 submitters: Likely benign (2). Last evaluated 2026-01-12.

Conditions:
RASopathy. Also called: rasopathies; Noonan spectrum disorder. Identifiers: Orphanet 536391, MedGen C5555857, MONDO:0021060.

Submissions (2):

Labcorp Genetics (formerly Invitae), Labcorp
Classification: Likely benign for RASopathy. Last evaluated: 2026-01-12. Review status: criteria provided, single submitter. Criteria: Invitae Variant Classification Sherloc (09022015). Collection method: clinical testing. Allele origin: germline.

CeGaT Center for Human Genetics Tuebingen
Classification: Likely benign. Last evaluated: 2024-07-01. Review status: criteria provided, single submitter. Criteria: CeGaT Center For Human Genetics Tuebingen Variant Classification Criteria Version 2. Collection method: clinical testing. Allele origin: germline. Affected: yes. Observed: 1 variant allele.
Comment: CBL: PM2:Supporting, BP4, BP7